The following is an entry in ClinVar:

ClinVar aggregate classification (germline): Uncertain significance (1 of 4 stars; one submission).

Conditions:
Retinoblastoma (RB1). Also called: RETINOBLASTOMA, SOMATIC. Identifiers: Orphanet 790, MedGen C0035335, MeSH D012175, MONDO:0008380, OMIM 180200, HP:0009919. Disease mechanism: loss of function. Inheritance: Both sporadic and heritable forms are tested..

Submission:

Labcorp Genetics (formerly Invitae), Labcorp
Classification: Uncertain significance for Retinoblastoma. Last evaluated: 2019-06-27. Review status: criteria provided, single submitter. Criteria: Invitae Variant Classification Sherloc (09022015). Collection method: clinical testing. Allele origin: germline.
Comment: This sequence change falls in intron 9 of the RB1 gene. It does not directly change the encoded amino acid sequence of the RB1 protein, but it affects a nucleotide within the consensus splice site of the intron. This variant is not present in population databases (ExAC no frequency). This variant has been observed to segregate with retinoblastoma in a family (Invitae). ClinVar contains an entry for this variant (Variation ID: 527912). Nucleotide substitutions within the consensus splice site are a relatively common cause of aberrant splicing (PMID: 17576681, 9536098). Algorithms developed to predict the effect of sequence changes on RNA splicing suggest that this variant may disrupt the consensus splice site, but this prediction has not been confirmed by published transcriptional studies. In summary, the available evidence is currently insufficient to determine the role of this variant in disease. Therefore, it has been classified as a Variant of Uncertain Significance.

Literature cited by the submitters: PubMed 17576681; PubMed 9536098.

NM_000321.3(RB1):c.939+3A>T

Gene: RB1 (RB transcriptional corepressor 1; plus strand). Cytogenetic location: 13q14.2.
Variant type: single nucleotide variant.
Coding change: c.939+3A>T on transcript NM_000321.3 (MANE Select); 3 bases into the intron after coding-DNA position 939, A replaced by T.
Molecular consequence: intron variant.
Genome position (GRCh38, 1-based): chr13:48,364,974, A>T. VCF-style: chr13-48364974-A-T. GRCh37 (hg19) VCF-style: chr13-48939110-A-T.
Identifiers: ClinVar variation 527915 (VCV000527915.10), dbSNP rs1555285148, ClinGen allele CA658798145.
Genomic context (GRCh38, chr13:48,364,974, plus strand): 5'-AAATTTTATACCTTTTATGAATTCTCTTGGACTTGTAACATCTAATGGACTTCCAGAGGT[A>T]ATCTGAAAGGAAATTTAATAAAATATTAATGTTTTGAGACTGTGGAGGGAGGATAATTGT-3'